The following is an entry in ClinVar:

ClinVar aggregate classification (germline): Likely benign (0 of 4 stars; one submission).

Conditions:
TTC28-related disorder. Also called: TTC28-related condition.

Allele frequency attached by ClinVar (database versions not stated): ExAC 0.00071; gnomAD 0.00150; ESP Exome Variant Server 0.00219; 1000 Genomes Project 0.00260; 1000 Genomes Project 30x 0.00344.
gnomAD v4.1: 574 of 1,544,284 alleles (0.037%); highest among the groups gnomAD compares: African/African-American, 0.57%; 2 homozygotes.

Submission:

PreventionGenetics, part of Exact Sciences
Classification: Likely benign for TTC28-related condition. Last evaluated: 2019-02-23. Review status: no assertion criteria provided. Collection method: clinical testing. Allele origin: germline.
Comment: This variant is classified as likely benign based on ACMG/AMP sequence variant interpretation guidelines (Richards et al. 2015 PMID: 25741868, with internal and published modifications).

NM_001145418.2(TTC28):c.6816C>T (p.Pro2272=)

Genes: TTC28 (tetratricopeptide repeat domain 28; minus strand), TTC28-AS1 (TTC28 antisense RNA 1; plus strand). Cytogenetic location: 22q12.1.
Variant type: single nucleotide variant.
Coding change: c.6816C>T on transcript NM_001145418.2 (MANE Select); coding-DNA position 6816, C replaced by T.
Protein change: p.Pro2272=; no amino-acid change (proline 2272 retained).
Molecular consequence: synonymous variant.
Genome position (GRCh38, 1-based): chr22:27,982,851, G>A on the plus strand (C>T on the coding strand, the complement: TTC28 is on the minus strand). VCF-style: chr22-27982851-G-A. GRCh37 (hg19) VCF-style: chr22-28378839-G-A.
Other names: c.6792C>T, p.Pro2264= (NM_001393403.1); c.6462C>T, p.Pro2154= (NM_001393404.1); c.6438C>T, p.Pro2146= (NM_001393405.1).
Identifiers: ClinVar variation 3040223 (VCV003040223.2), dbSNP rs370917225, ClinGen allele CA10166998.